The following is an entry in ClinVar:

NM_005343.4(HRAS):c.450+84C>A

Genes: HRAS (HRas proto-oncogene, GTPase; minus strand), LRRC56 (leucine rich repeat containing 56; plus strand). Cytogenetic location: 11p15.5.
Variant type: single nucleotide variant.
Coding change: c.450+84C>A on transcript NM_005343.4 (MANE Select); 84 bases into the intron after coding-DNA position 450, C replaced by A.
Molecular consequence: intron variant.
Genome position (GRCh38, 1-based): chr11:533,369, G>T on the plus strand (C>A on the coding strand, the complement: HRAS is on the minus strand). VCF-style: chr11-533369-G-T. GRCh37 (hg19) VCF-style: chr11-533369-G-T.
Other names: c.450+84C>A (NM_001130442.3); c.132-11C>A (NM_001318054.2); c.451-11C>A (NM_176795.5).
Identifiers: ClinVar variation 179526 (VCV000179526.6), dbSNP rs727504926, ClinGen allele CA184605.

ClinVar aggregate classification (germline): Conflicting classifications of pathogenicity. Review status: criteria provided, conflicting classifications (1 of 4 stars). 2 submissions from 2 submitters: Uncertain significance (1); Likely benign (1). Last evaluated 2024-11-07.

Allele frequency attached by ClinVar (database versions not stated): gnomAD 0.00001; TOPMed 0.00001; ExAC 0.00003.
gnomAD v4.1: 19 of 1,607,860 alleles (0.0012%); highest among the groups gnomAD compares: Middle Eastern, 0.017%; no homozygotes.

Submissions (3):

Blueprint Genetics
Classification: Likely benign. Last evaluated: 2024-11-07. Review status: criteria provided, single submitter. Criteria: ACMG Guidelines, 2015. Collection method: clinical testing. Allele origin: germline.

Laboratory for Molecular Medicine, Mass General Brigham Personalized Medicine
Classification: Uncertain significance. Last evaluated: 2014-02-04. Review status: criteria provided, single submitter. Criteria: LMM Criteria. Collection method: clinical testing. Allele origin: germline. Observed: 2 variant alleles.
Comment: Variant classified as Uncertain Significance - Favor Benign. The 451-11C>A varia nt in HRAS has not been reported in individuals with clinical features of Costel lo syndrome or in large population studies. This variant is located in the 3' splice region. Computational to ols do not suggest an impact to splicing, however this information is not predic tive enough to rule out pathogenicity. Although this data and the fact that spli ce variants in HRAS have not been reported in individuals with disease support t hat the 451-11C>A variant may be benign, additional studies are needed to fully assess its clinical significance.

Dr. Peter K. Rogan Lab, Western University
No classification provided (evidence only). Condition: Sarcoma. Review status: no classification provided. Collection method: in vitro. Allele origin: not applicable. Functional consequence: retained intron. Not counted in ClinVar's aggregate classification.